The following is an entry in ClinVar:

ClinVar aggregate classification (germline): Likely benign. Review status: criteria provided, multiple submitters, no conflicts (2 of 4 stars). 2 submissions from 2 submitters: Likely benign (2). Last evaluated 2026-03-25.

Conditions:
IFT70B-related disorder. Also called: IFT70B-related condition.

gnomAD v4.1: 1,041 of 1,613,404 alleles (0.065%); highest among the groups gnomAD compares: Middle Eastern, 0.17%; no homozygotes.

Submissions (2):

PreventionGenetics, part of Exact Sciences
Classification: Likely benign for IFT70B-related condition. Last evaluated: 2026-03-25. Review status: criteria provided, single submitter. Criteria: ACMG Guidelines, 2015. Collection method: clinical testing. Allele origin: germline.
Comment: This variant is classified as likely benign based on ACMG/AMP sequence variant interpretation guidelines (Richards et al. 2015 PMID: 25741868, with internal and published modifications).

CeGaT Center for Human Genetics Tuebingen
Classification: Likely benign. Last evaluated: 2025-03-01. Review status: criteria provided, single submitter. Criteria: CeGaT Center For Human Genetics Tuebingen Variant Classification Criteria Version 2. Collection method: clinical testing. Allele origin: germline. Affected: yes. Observed: 1 variant allele.
Comment: IFT70B: BP4, BP7

NM_152517.3(IFT70B):c.1485T>C (p.Asn495=)

Gene: IFT70B (intraflagellar transport 70B; minus strand). Cytogenetic location: 2q31.2.
Variant type: single nucleotide variant.
Coding change: c.1485T>C on transcript NM_152517.3 (MANE Select); coding-DNA position 1485, T replaced by C.
Protein change: p.Asn495=; no amino-acid change (asparagine 495 retained).
Molecular consequence: synonymous variant.
Genome position (GRCh38, 1-based): chr2:177,551,279, A>G on the plus strand (T>C on the coding strand, the complement: IFT70B is on the minus strand). VCF-style: chr2-177551279-A-G. GRCh37 (hg19) VCF-style: chr2-178416007-A-G.
Other names: c.1485T>C (NM_152517.2).
Identifiers: ClinVar variation 3777900 (VCV003777900.8).